The following is an entry in ClinVar:

NM_004863.4(SPTLC2):c.851-225T>C

Gene: SPTLC2 (serine palmitoyltransferase long chain base subunit 2; minus strand). Cytogenetic location: 14q24.3.
Variant type: single nucleotide variant.
Coding change: c.851-225T>C on transcript NM_004863.4 (MANE Select); 225 bases into the intron before coding-DNA position 851, T replaced by C.
Molecular consequence: intron variant.
Genome position (GRCh38, 1-based): chr14:77,557,371, A>G on the plus strand (T>C on the coding strand, the complement: SPTLC2 is on the minus strand). VCF-style: chr14-77557371-A-G. GRCh37 (hg19) VCF-style: chr14-78023714-A-G.
Identifiers: ClinVar variation 670137 (VCV000670137.2), dbSNP rs2272588, ClinGen allele CA13965645.

ClinVar aggregate classification (germline): Benign. Review status: criteria provided, multiple submitters, no conflicts (2 of 4 stars). 2 submissions from 2 submitters: Benign (2). Last evaluated 2018-06-19.

Allele frequency attached by ClinVar (database versions not stated): TOPMed 0.41449; 1000 Genomes Project 30x 0.47345; 1000 Genomes Project 0.48423.
gnomAD v4.1: 260,923 of 551,066 alleles (47%); highest among the groups gnomAD compares: East Asian, 90%; 66,313 homozygotes.

Submissions (2):

GeneDx
Classification: Benign. Last evaluated: 2018-06-19. Review status: criteria provided, single submitter. Criteria: GeneDx Variant Classification (06012015). Collection method: clinical testing. Allele origin: germline. Affected: yes.
Comment: This variant is considered likely benign or benign based on one or more of the following criteria: it is a conservative change, it occurs at a poorly conserved position in the protein, it is predicted to be benign by multiple in silico algorithms, and/or has population frequency not consistent with disease.

Breakthrough Genomics
Classification: Benign. Review status: criteria provided, single submitter. Criteria: ACMG Guidelines, 2015. Collection method: not provided. Allele origin: germline. Inheritance: Autosomal dominant inheritance. Affected: yes.